The following is an entry in ClinVar:

Single allele

Gene: WNT7A (Wnt family member 7A; minus strand). Cytogenetic location: 3p25.1.
Variant type: Deletion.
Identifiers: ClinVar variation 4795218 (VCV004795218.1).

ClinVar aggregate classification (germline): Pathogenic (0 of 4 stars; one submission).

Conditions:
Hypoglycemia. Identifiers: MedGen C0020615, MONDO:0004946, HP:0001943.
Encephalopathy. Also called: Unspecified encephalopathy. Identifiers: MedGen C0085584, HP:0001298.
Lactic acidosis. Identifiers: MedGen C0001125, MONDO:0006040, HP:0003128.
Abnormal brain morphology. Also called: Abnormality of brain morphology. Identifiers: MedGen C4021085, HP:0012443.
Decreased liver function. Identifiers: MedGen C0232744, HP:0001410.
Abnormal brain lactate level by MRS. Identifiers: MedGen C4476564, HP:0025045.
Global developmental delay (DD). Also called: Cognitive delay. Identifiers: MedGen C0557874, HP:0001263. Disease mechanism: loss of function.
Fetal growth restriction (IUGR). Also called: Intrauterine growth retardation; Intrauterine growth restriction; Intra uterine growth retardation. Identifiers: MedGen C0015934, MONDO:0005030, HP:0001511.

Submission:

Institut IMAGINE, Institut National de la Sante et de la Recherche Medicale
Classification: Pathogenic for Fetal growth restriction; Hypoglycemia; Lactic acidosis; Decreased liver function; Global developmental delay; Encephalopathy; Abnormal brain morphology; Abnormal brain lactate level by MRS. Last evaluated: 2024-10-10. Review status: no assertion criteria provided. Collection method: clinical testing. Allele origin: maternal. Inheritance: Autosomal recessive inheritance. Affected: yes. Observed: 1 compound heterozygote.
Comment: This variant is compound heterozygous with a p.Ser2Phe variant in CHCHD4 gene. It was absent from large population studies. Additionally, in vitro functional studies indicate that this deletion disrupts mitochondrial respiratory chain function and assembly (Mantecon et al, submitted) and over-expression of wild-type CHCHD4 cDNA rescued this biochemical phenotype. In summary, the deletion meets our criteria to be classified as pathogenic based upon segregation studies, absence from controls, and functional evidence.